The following is an entry in ClinVar:

NM_014679.5(CEP57):c.1127+5G>A

Gene: CEP57 (centrosomal protein 57; plus strand). Cytogenetic location: 11q21.
Variant type: single nucleotide variant.
Coding change: c.1127+5G>A on transcript NM_014679.5 (MANE Select); 5 bases into the intron after coding-DNA position 1127, G replaced by A.
Molecular consequence: intron variant.
Genome position (GRCh38, 1-based): chr11:95,828,032, G>A. VCF-style: chr11-95828032-G-A. GRCh37 (hg19) VCF-style: chr11-95561196-G-A.
Other names: c.1046+5G>A (NM_001363604.2); c.1100+5G>A (NM_001243776.2); c.1049+5G>A (NM_001243777.2).
Identifiers: ClinVar variation 2917373 (VCV002917373.3), dbSNP rs766035570, ClinGen allele CA6239694.

ClinVar aggregate classification (germline): Uncertain significance (1 of 4 stars; one submission).

Conditions:
Mosaic variegated aneuploidy syndrome 2 (MVA2). Identifiers: Orphanet 1052, MedGen C3279843, MONDO:0013582, OMIM 614114.

Allele frequency attached by ClinVar (database versions not stated): ExAC 0.00001.

Submission:

Labcorp Genetics (formerly Invitae), Labcorp
Classification: Uncertain significance for Mosaic variegated aneuploidy syndrome 2. Last evaluated: 2023-08-02. Review status: criteria provided, single submitter. Criteria: Invitae Variant Classification Sherloc (09022015). Collection method: clinical testing. Allele origin: germline.
Comment: In summary, the available evidence is currently insufficient to determine the role of this variant in disease. Therefore, it has been classified as a Variant of Uncertain Significance. Variants that disrupt the consensus splice site are a relatively common cause of aberrant splicing (PMID: 17576681, 9536098). Algorithms developed to predict the effect of sequence changes on RNA splicing suggest that this variant may disrupt the consensus splice site. This variant has not been reported in the literature in individuals affected with CEP57-related conditions. This variant is not present in population databases (gnomAD no frequency). This sequence change falls in intron 9 of the CEP57 gene. It does not directly change the encoded amino acid sequence of the CEP57 protein. It affects a nucleotide within the consensus splice site.

Literature cited by the submitters: PubMed 17576681; PubMed 9536098.